The following is an entry in ClinVar:

NM_002609.4(PDGFRB):c.239C>T (p.Thr80Ile)

Gene: PDGFRB (platelet derived growth factor receptor beta; minus strand). Cytogenetic location: 5q32.
Variant type: single nucleotide variant.
Coding change: c.239C>T on transcript NM_002609.4 (MANE Select); coding-DNA position 239, C replaced by T.
Protein change: p.Thr80Ile; replaces threonine 80 with isoleucine.
Molecular consequence: missense variant. On other transcripts: 5 prime UTR variant (1).
Genome position (GRCh38, 1-based): chr5:150,135,680, G>A on the plus strand (C>T on the coding strand, the complement: PDGFRB is on the minus strand). VCF-style: chr5-150135680-G-A. GRCh37 (hg19) VCF-style: chr5-149515243-G-A.
Other names: c.47C>T, p.Thr16Ile (NM_001355016.2); c.-279C>T (NM_001355017.2); short protein forms T16I, T80I.
Identifiers: ClinVar variation 4072611 (VCV004072611.1).

ClinVar aggregate classification (germline): Uncertain significance (1 of 4 stars; one submission).

gnomAD v4.1: 1 of 1,613,986 alleles (0.000062%); no homozygotes.

Submission:

GeneDx
Classification: Uncertain significance. Last evaluated: 2025-01-30. Review status: criteria provided, single submitter. Criteria: GeneDx Variant Classification Process June 2021. Collection method: clinical testing. Allele origin: germline. Affected: yes.
Comment: Not observed at significant frequency in large population cohorts (gnomAD); In silico analysis indicates that this missense variant does not alter protein structure/function; Has not been previously published as pathogenic or benign to our knowledge